The following is an entry in ClinVar:

ClinVar aggregate classification (germline): Uncertain significance (1 of 4 stars; one submission).

Conditions:
Breast-ovarian cancer, familial, susceptibility to, 4. Identifiers: Orphanet 145, MedGen C3280345, MONDO:0013669, OMIM 614291.

Submission:

Neuberg Centre For Genomic Medicine, NCGM
Classification: Uncertain significance for Breast-ovarian cancer, familial, susceptibility to, 4. Last evaluated: 2023-02-14. Review status: criteria provided, single submitter. Criteria: ACMG Guidelines, 2015. Collection method: clinical testing. Allele origin: germline. Affected: yes.
Comment: The missense c.48G>T (p.Met16Ile) variant in RAD51D gene has not been reported previously as a pathogenic variant nor as a benign variant, to our knowledge. The p.Met16Ile variant is novel (not in any individuals) in both gnomAD Exomes and 1000 Genomes databases. This variant has not been reported to the ClinVar database. The amino acid change p.Met16Ile in RAD51D is predicted as conserved by GERP++ and PhyloP across 100 vertebrates. The amino acid Met at position 16 is changed to a Ile changing protein sequence and it might alter its composition and physico-chemical properties. For these reasons, this variant has been classified as a Variant of Uncertain Significance (VUS).

NM_002878.4(RAD51D):c.48G>T (p.Met16Ile)

Genes: RAD51D (RAD51 paralog D; minus strand), RAD51L3-RFFL (RAD51L3-RFFL readthrough; minus strand). Cytogenetic location: 17q12.
Variant type: single nucleotide variant.
Coding change: c.48G>T on transcript NM_002878.4 (MANE Select); coding-DNA position 48, G replaced by T.
Protein change: p.Met16Ile; replaces methionine 16 with isoleucine.
Molecular consequence: missense variant. On other transcripts: non-coding transcript variant (2).
Genome position (GRCh38, 1-based): chr17:35,119,566, C>A on the plus strand (G>T on the coding strand, the complement: RAD51D is on the minus strand). VCF-style: chr17-35119566-C-A. GRCh37 (hg19) VCF-style: chr17-33446585-C-A.
Other names: c.48G>T, p.Met16Ile (NM_001142571.2, NM_133629.3); short protein forms M16I.
Identifiers: ClinVar variation 2671655 (VCV002671655.1), dbSNP rs2142480482, ClinGen allele CA399092422.
Genomic context (GRCh38, chr17:35,119,566, plus strand): 5'-TCCCTGGCACGCGCACACCCGGTCACCTGTCTTGATCCTGTGGCTCCTGAGAAGCTGGAT[C>A]ATCTCCTCGGTAAGGCCAGGGCACAGTCCGACCCTGAGCACGCCCATGTTCCCCGCAGGC-3'
Protein context (NP_002869.3, residues 6-26): VGLCPGLTEE[Met16Ile]IQLLRSHRIK